The following is an entry in ClinVar:

NC_000007.13:g.(?_16445666)_(16445982_?)dup

Gene: CRPPA (CDP-L-ribitol pyrophosphorylase A; minus strand). Cytogenetic location: 7p21.2.
Variant type: Duplication.
Identifiers: ClinVar variation 2423711 (VCV002423711.5).

ClinVar aggregate classification (germline): Likely pathogenic (1 of 4 stars; one submission).

Conditions:
Muscular dystrophy-dystroglycanopathy (congenital with brain and eye anomalies), type A, 7. Also called: WALKER-WARBURG SYNDROME OR MUSCLE-EYE-BRAIN DISEASE, ISPD-RELATED; Congenital muscular dystrophy-dystroglycanopathy with brain and eye anomalies, type A7. Identifiers: Orphanet 899, MedGen C3553330, MONDO:0013835, OMIM 614643.
Autosomal recessive limb-girdle muscular dystrophy type 2U. Also called: Muscular dystrophy-dystroglycanopathy (limb-girdle), type c, 7; MUSCULAR DYSTROPHY, LIMB-GIRDLE, TYPE 2U. Identifiers: Orphanet 352479, MedGen C5190987, MONDO:0014474, OMIM 616052.

Submission:

Labcorp Genetics (formerly Invitae), Labcorp
Classification: Likely pathogenic for Muscular dystrophy-dystroglycanopathy (congenital with brain and eye anomalies), type A, 7; Autosomal recessive limb-girdle muscular dystrophy type 2U. Last evaluated: 2023-09-25. Review status: criteria provided, single submitter. Criteria: Invitae Variant Classification Sherloc (09022015). Collection method: clinical testing. Allele origin: germline.
Comment: This variant results in a copy number gain of the genomic region encompassing exon(s) 2 of the ISPD gene. While the exact position of this variant cannot be determined from the data, sub-genic copy number gains are generally in tandem (PMID: 25640679). This variant is predicted to be out-of-frame, and may result in an absent or disrupted protein product. Loss-of-function variants in ISPD are known to be pathogenic (PMID: 23288328). This variant has not been reported in the literature in individuals affected with ISPD-related conditions. In summary, the currently available evidence indicates that the variant is pathogenic, but additional data are needed to prove that conclusively. Therefore, this variant has been classified as Likely Pathogenic.

Literature cited by the submitters: PubMed 25640679; PubMed 23288328.